The following is an entry in ClinVar:

ClinVar aggregate classification (germline): Uncertain significance (1 of 4 stars; one submission).

Conditions:
Hypertrophic cardiomyopathy. Also called: HYPERTROPHIC MYOCARDIOPATHY. Identifiers: Orphanet 217569, MedGen C0007194, MeSH D002312, MONDO:0005045, HP:0001639.

Submission:

Labcorp Genetics (formerly Invitae), Labcorp
Classification: Uncertain significance for Hypertrophic cardiomyopathy. Last evaluated: 2026-01-11. Review status: criteria provided, single submitter. Criteria: Invitae Variant Classification Sherloc (09022015). Collection method: clinical testing. Allele origin: germline.
Comment: This sequence change replaces serine, which is neutral and polar, with asparagine, which is neutral and polar, at codon 588 of the MYBPC3 protein (p.Ser588Asn). This variant is not present in population databases (gnomAD no frequency). This variant has not been reported in the literature in individuals affected with MYBPC3-related conditions. An algorithm developed to predict the effect of missense changes on protein structure and function outputs the following: PolyPhen-2: "Benign". The asparagine amino acid residue is found in multiple mammalian species, which suggests that this missense change does not adversely affect protein function. In summary, the available evidence is currently insufficient to determine the role of this variant in disease. Therefore, it has been classified as a Variant of Uncertain Significance.

NM_000256.3(MYBPC3):c.1763G>A (p.Ser588Asn)

Gene: MYBPC3 (myosin binding protein C3; minus strand). Cytogenetic location: 11p11.2.
Variant type: single nucleotide variant.
Coding change: c.1763G>A on transcript NM_000256.3 (MANE Select); coding-DNA position 1763, G replaced by A.
Protein change: p.Ser588Asn; replaces serine 588 with asparagine.
Molecular consequence: missense variant.
Genome position (GRCh38, 1-based): chr11:47,342,018, C>T on the plus strand (G>A on the coding strand, the complement: MYBPC3 is on the minus strand). VCF-style: chr11-47342018-C-T. GRCh37 (hg19) VCF-style: chr11-47363569-C-T.
Other names: short protein forms S588N.
Identifiers: ClinVar variation 4804913 (VCV004804913.1).